The following is an entry in ClinVar:

NM_002224.4(ITPR3):c.6221T>G (p.Val2074Gly)

Gene: ITPR3 (inositol 1,4,5-trisphosphate receptor type 3; plus strand). Cytogenetic location: 6p21.31.
Variant type: single nucleotide variant.
Coding change: c.6221T>G on transcript NM_002224.4 (MANE Select); coding-DNA position 6221, T replaced by G.
Protein change: p.Val2074Gly; replaces valine 2074 with glycine.
Molecular consequence: missense variant.
Genome position (GRCh38, 1-based): chr6:33,687,521, T>G. VCF-style: chr6-33687521-T-G. GRCh37 (hg19) VCF-style: chr6-33655298-T-G.
Other names: short protein forms V2074G.
Identifiers: ClinVar variation 4686517 (VCV004686517.1).

ClinVar aggregate classification (germline): Uncertain significance (1 of 4 stars; one submission).

Submission:

GeneDx
Classification: Uncertain significance. Last evaluated: 2025-07-17. Review status: criteria provided, single submitter. Criteria: GeneDx Variant Classification Process June 2021. Collection method: clinical testing. Allele origin: germline. Affected: yes.
Comment: Not observed at significant frequency in large population cohorts (gnomAD); In silico analysis suggests that this missense variant does not alter protein structure/function; Has not been previously published as pathogenic or benign to our knowledge